The following is an entry in ClinVar:

ClinVar aggregate classification (germline): Uncertain significance (1 of 4 stars; one submission).

Conditions:
Congenital myasthenic syndrome 18. Also called: MYASTHENIC SYNDROME, CONGENITAL, 18, WITH INTELLECTUAL DISABILITY AND ATAXIA. Identifiers: Orphanet 590, MedGen C4225364, MONDO:0014590, OMIM 616330.

Allele frequency attached by ClinVar (database versions not stated): gnomAD exomes below 0.00001; TOPMed below 0.00001; ExAC 0.00001; gnomAD 0.00001.
gnomAD v4.1: 2 of 1,612,886 alleles (0.00012%); highest among the groups gnomAD compares: South Asian, 0.0011%; no homozygotes.

Submission:

Labcorp Genetics (formerly Invitae), Labcorp
Classification: Uncertain significance for Congenital myasthenic syndrome 18. Last evaluated: 2019-10-25. Review status: criteria provided, single submitter. Criteria: Invitae Variant Classification Sherloc (09022015). Collection method: clinical testing. Allele origin: germline.
Comment: In summary, the available evidence is currently insufficient to determine the role of this variant in disease. Therefore, it has been classified as a Variant of Uncertain Significance. Algorithms developed to predict the effect of missense changes on protein structure and function are either unavailable or do not agree on the potential impact of this missense change (SIFT: "Tolerated"; PolyPhen-2: "Probably Damaging"; Align-GVGD: "Class C0"). This variant has not been reported in the literature in individuals with SNAP25-related disease. This variant is present in population databases (rs761830881, ExAC 0.007%). This sequence change replaces valine with isoleucine at codon 120 of the SNAP25 protein (p.Val120Ile). The valine residue is highly conserved and there is a small physicochemical difference between valine and isoleucine.

NM_130811.4(SNAP25):c.358G>A (p.Val120Ile)

Gene: SNAP25 (synaptosome associated protein 25; plus strand). Cytogenetic location: 20p12.2.
Variant type: single nucleotide variant.
Coding change: c.358G>A on transcript NM_130811.4 (MANE Select); coding-DNA position 358, G replaced by A.
Protein change: p.Val120Ile; replaces valine 120 with isoleucine.
Molecular consequence: missense variant.
Genome position (GRCh38, 1-based): chr20:10,297,001, G>A. VCF-style: chr20-10297001-G-A. GRCh37 (hg19) VCF-style: chr20-10277649-G-A.
Other names: c.358G>A, p.Val120Ile (NM_001322902.2, NM_001322903.2, NM_001322904.2 and 7 more transcripts); short protein forms V120I.
Identifiers: ClinVar variation 661547 (VCV000661547.10), dbSNP rs761830881, ClinGen allele CA9763361.